The following is an entry in ClinVar:

ClinVar aggregate classification (germline): Uncertain significance (1 of 4 stars; one submission).

Allele frequency attached by ClinVar (database versions not stated): gnomAD exomes below 0.00001 and 0.00001; TOPMed below 0.00001; gnomAD 0.00001.
gnomAD v4.1: 6 of 1,531,442 alleles (0.00039%); highest among the groups gnomAD compares: Non-Finnish European, 0.00052%; no homozygotes.

Submission:

Labcorp Genetics (formerly Invitae), Labcorp
Classification: Uncertain significance. Last evaluated: 2022-07-26. Review status: criteria provided, single submitter. Criteria: Invitae Variant Classification Sherloc (09022015). Collection method: clinical testing. Allele origin: germline.
Comment: In summary, the available evidence is currently insufficient to determine the role of this variant in disease. Therefore, it has been classified as a Variant of Uncertain Significance. Algorithms developed to predict the effect of missense changes on protein structure and function output the following: SIFT: "Deleterious"; PolyPhen-2: "Possibly Damaging"; Align-GVGD: "Class C0". The tryptophan amino acid residue is found in multiple mammalian species, which suggests that this missense change does not adversely affect protein function. This sequence change replaces arginine, which is basic and polar, with tryptophan, which is neutral and slightly polar, at codon 1086 of the ZNF469 protein (p.Arg1086Trp). The frequency data for this variant in the population databases is considered unreliable, as metrics indicate poor data quality at this position in the gnomAD database. This variant has not been reported in the literature in individuals affected with ZNF469-related conditions. ClinVar contains an entry for this variant (Variation ID: 1354648).

NM_001367624.2(ZNF469):c.3340C>T (p.Arg1114Trp)

Gene: ZNF469 (zinc finger protein 469; plus strand). Cytogenetic location: 16q24.2.
Variant type: single nucleotide variant.
Coding change: c.3340C>T on transcript NM_001367624.2 (MANE Select); coding-DNA position 3340, C replaced by T.
Protein change: p.Arg1114Trp; replaces arginine 1114 with tryptophan.
Molecular consequence: missense variant.
Genome position (GRCh38, 1-based): chr16:88,430,810, C>T. VCF-style: chr16-88430810-C-T. GRCh37 (hg19) VCF-style: chr16-88497218-C-T.
Other names: short protein forms R1114W.
Identifiers: ClinVar variation 1354648 (VCV001354648.4), dbSNP rs1383185829, ClinGen allele CA397080252.